The following is an entry in ClinVar:

ClinVar aggregate classification (germline): Uncertain significance. Review status: criteria provided, multiple submitters, no conflicts (2 of 4 stars). 2 submissions from 2 submitters: Uncertain significance (2). Last evaluated 2024-03-15.

Conditions:
Hereditary cancer-predisposing syndrome. Also called: Tumor predisposition; Neoplastic Syndromes, Hereditary; Hereditary neoplastic syndrome; Hereditary Cancer Syndrome. Identifiers: Orphanet 140162, MedGen C0027672, MeSH D009386, MONDO:0015356.

Allele frequency attached by ClinVar (database versions not stated): gnomAD exomes below 0.00001; TOPMed below 0.00001.

Submissions (2):

Ambry Genetics
Classification: Uncertain significance for Hereditary cancer-predisposing syndrome. Last evaluated: 2024-03-15. Review status: criteria provided, single submitter. Criteria: Ambry Variant Classification Scheme 2023. Collection method: clinical testing. Allele origin: germline.
Comment: The p.I508T variant (also known as c.1523T>C), located in coding exon 10 of the CTNNA1 gene, results from a T to C substitution at nucleotide position 1523. The isoleucine at codon 508 is replaced by threonine, an amino acid with similar properties. This amino acid position is conserved. In addition, this alteration is predicted to be deleterious by in silico analysis. Since supporting evidence is limited at this time, the clinical significance of this alteration remains unclear.

Labcorp Genetics (formerly Invitae), Labcorp
Classification: Uncertain significance. Last evaluated: 2023-08-09. Review status: criteria provided, single submitter. Criteria: Invitae Variant Classification Sherloc (09022015). Collection method: clinical testing. Allele origin: germline.
Comment: In summary, the available evidence is currently insufficient to determine the role of this variant in disease. Therefore, it has been classified as a Variant of Uncertain Significance. Advanced modeling of protein sequence and biophysical properties (such as structural, functional, and spatial information, amino acid conservation, physicochemical variation, residue mobility, and thermodynamic stability) performed at Invitae indicates that this missense variant is not expected to disrupt CTNNA1 protein function. ClinVar contains an entry for this variant (Variation ID: 1019215). This variant has not been reported in the literature in individuals affected with CTNNA1-related conditions. This variant is not present in population databases (gnomAD no frequency). This sequence change replaces isoleucine, which is neutral and non-polar, with threonine, which is neutral and polar, at codon 508 of the CTNNA1 protein (p.Ile508Thr).

NM_001903.5(CTNNA1):c.1523T>C (p.Ile508Thr)

Gene: CTNNA1 (catenin alpha 1; plus strand). Cytogenetic location: 5q31.2.
Variant type: single nucleotide variant.
Coding change: c.1523T>C on transcript NM_001903.5 (MANE Select); coding-DNA position 1523, T replaced by C.
Protein change: p.Ile508Thr; replaces isoleucine 508 with threonine.
Molecular consequence: missense variant.
Genome position (GRCh38, 1-based): chr5:138,917,875, T>C. VCF-style: chr5-138917875-T-C. GRCh37 (hg19) VCF-style: chr5-138253564-T-C.
Other names: c.1523T>C, p.Ile508Thr (NM_001290307.3, NM_001323982.2, NM_001323983.1 and 2 more transcripts); c.1214T>C, p.Ile405Thr (NM_001290309.3); c.1154T>C, p.Ile385Thr (NM_001290310.3); c.413T>C, p.Ile138Thr (NM_001290312.1, NM_001323987.1, NM_001323988.1 and 17 more transcripts); c.1430T>C, p.Ile477Thr (NM_001323986.2); c.74T>C, p.Ile25Thr (NM_001324006.1, NM_001324007.1, NM_001324008.1 and 2 more transcripts); c.320T>C, p.Ile107Thr (NM_001324011.1); c.170T>C, p.Ile57Thr (NM_001324012.1, NM_001324013.1); short protein forms I107T, I138T, I25T, I385T, I405T, I477T, I508T, I57T.
Identifiers: ClinVar variation 1019215 (VCV001019215.12), dbSNP rs1762132582, ClinGen allele CA361137377.